The following is an entry in ClinVar:

ClinVar aggregate classification (germline): Uncertain significance (1 of 4 stars; one submission).

Conditions:
Bethlem myopathy 1A. Also called: Bethlem myopathy 1; MYOPATHY, BENIGN CONGENITAL, WITH CONTRACTURES; Bethlem Muscular Dystrophy. Identifiers: Orphanet 610, MedGen CN029274, MONDO:0024530, OMIM 158810.

gnomAD v4.1: 1 of 1,612,614 alleles (0.000062%); highest among the groups gnomAD compares: African/African-American, 0.0013%; no homozygotes.

Submission:

Labcorp Genetics (formerly Invitae), Labcorp
Classification: Uncertain significance for Bethlem myopathy 1A. Last evaluated: 2022-12-07. Review status: criteria provided, single submitter. Criteria: Invitae Variant Classification Sherloc (09022015). Collection method: clinical testing. Allele origin: germline.
Comment: In summary, the available evidence is currently insufficient to determine the role of this variant in disease. Therefore, it has been classified as a Variant of Uncertain Significance. Advanced modeling of protein sequence and biophysical properties (such as structural, functional, and spatial information, amino acid conservation, physicochemical variation, residue mobility, and thermodynamic stability) performed at Invitae indicates that this missense variant is not expected to disrupt COL6A1 protein function. This variant has not been reported in the literature in individuals affected with COL6A1-related conditions. This variant is not present in population databases (gnomAD no frequency). This sequence change replaces alanine, which is neutral and non-polar, with glutamic acid, which is acidic and polar, at codon 119 of the COL6A1 protein (p.Ala119Glu).

NM_001848.3(COL6A1):c.356C>A (p.Ala119Glu)

Gene: COL6A1 (collagen type VI alpha 1 chain; plus strand). Cytogenetic location: 21q22.3.
Variant type: single nucleotide variant.
Coding change: c.356C>A on transcript NM_001848.3 (MANE Select); coding-DNA position 356, C replaced by A.
Protein change: p.Ala119Glu; replaces alanine 119 with glutamic acid.
Molecular consequence: missense variant.
Genome position (GRCh38, 1-based): chr21:45,984,397, C>A. VCF-style: chr21-45984397-C-A. GRCh37 (hg19) VCF-style: chr21-47404311-C-A.
Other names: short protein forms A119E.
Identifiers: ClinVar variation 2817145 (VCV002817145.3), dbSNP rs571641824, ClinGen allele CA410516162.
Genomic context (GRCh38, chr21:45,984,397, plus strand): 5'-TCATCCAAGGCCTCACGCGCATGCCTGGCGGCCGCGACGCACTCAAAAGCAGCGTGGACG[C>A]GGTCAAGTACTTTGGGAAGGGCACCTACACCGACTGCGCTATCAAGAAGGGGCTGGAGCA-3'
Protein context (NP_001839.2, residues 109-129): GRDALKSSVD[Ala119Glu]VKYFGKGTYT